The following is an entry in ClinVar:

ClinVar aggregate classification (germline): Pathogenic (1 of 4 stars; one submission).

Conditions:
SSR4-congenital disorder of glycosylation. Also called: CDG IY; Congenital disorder of glycosylation type 1y; SSR4-CDG. Identifiers: Orphanet 370927, MedGen C4012395, MONDO:0010490, OMIM 300934.

Submission:

Juno Genomics, Hangzhou Juno Genomics, Inc
Classification: Pathogenic for SSR4-congenital disorder of glycosylation. Review status: criteria provided, single submitter. Criteria: ACMG Guidelines, 2015. Collection method: clinical testing. Allele origin: germline. Affected: yes.
Comment: Absent from controls (or at extremely low frequency if recessive) in Genome Aggregation Database, Exome Sequencing Project, 1000 Genomes Project, or Exome Aggregation Consortium.;Null variant in a gene where loss of function (LOF) is a known mechanism of disease.;Patient's phenotype or family history is highly specific for a disease with a single genetic etiology.

NM_006280.3(SSR4):c.68-2A>G

Gene: SSR4 (signal sequence receptor subunit 4; plus strand). Cytogenetic location: Xq28.
Variant type: single nucleotide variant.
Coding change: c.68-2A>G on transcript NM_006280.3 (MANE Select); the canonical splice acceptor site of the intron before coding-DNA position 68, A replaced by G.
Molecular consequence: splice acceptor variant.
Genome position (GRCh38, 1-based): chrX:153,796,432, A>G. VCF-style: chrX-153796432-A-G. GRCh37 (hg19) VCF-style: chrX-153061887-A-G.
Other names: c.68-2A>G (NM_001440796.1); c.149-2A>G (NM_001440795.1); c.92-2A>G (NM_001204527.2); c.101-2A>G (NM_001204526.2).
Identifiers: ClinVar variation 3392483 (VCV003392483.2).